The following is an entry in ClinVar:

ClinVar aggregate classification (germline): Benign (1 of 4 stars; one submission).

Conditions:
Spondyloepiphyseal dysplasia tarda (SEDT). Also called: SPONDYLOEPIPHYSEAL DYSPLASIA, LATE. Identifiers: Orphanet 93284, MedGen CN033239, MONDO:0019667.

Allele frequency attached by ClinVar (database versions not stated): TOPMed 0.00014; 1000 Genomes Project 30x 0.00104; 1000 Genomes Project 0.00132.

Submission:

Illumina Laboratory Services, Illumina
Classification: Benign for Spondyloepiphyseal dysplasia tarda, X-linked. Last evaluated: 2018-01-12. Review status: criteria provided, single submitter. Criteria: ICSL Variant Classification Criteria 13 December 2019. Collection method: clinical testing. Allele origin: germline.
Comment: This variant was observed in the ICSL laboratory as part of a predisposition screen in an ostensibly healthy population. It had not been previously curated by ICSL or reported in the Human Gene Mutation Database (HGMD: prior to June 1st, 2018), and was therefore a candidate for classification through an automated scoring system. Utilizing variant allele frequency, disease prevalence and penetrance estimates, and inheritance mode, an automated score was calculated to assess if this variant is too frequent to cause the disease. Based on the score and internal cut-off values, a variant classified as benign is not then subjected to further curation. The score for this variant resulted in a classification of benign for this disease.

NM_001011658.4(TRAPPC2):c.*1436C>G

Gene: TRAPPC2 (trafficking protein particle complex subunit 2; minus strand). Cytogenetic location: Xp22.2.
Variant type: single nucleotide variant.
Coding change: c.*1436C>G on transcript NM_001011658.4 (MANE Select); 1436 bases downstream of the stop codon, C replaced by G.
Molecular consequence: 3 prime UTR variant.
Genome position (GRCh38, 1-based): chrX:13,712,971, G>C on the plus strand (C>G on the coding strand, the complement: TRAPPC2 is on the minus strand). VCF-style: chrX-13712971-G-C. GRCh37 (hg19) VCF-style: chrX-13731090-G-C.
Other names: c.*1436C>G (NM_001128835.3, NM_014563.6).
Identifiers: ClinVar variation 915022 (VCV000915022.4), dbSNP rs192328990, ClinGen allele CA326090223.